The following is an entry in ClinVar:

NM_001134407.3(GRIN2A):c.904G>A (p.Ala302Thr)

Gene: GRIN2A (glutamate ionotropic receptor NMDA type subunit 2A; minus strand). Cytogenetic location: 16p13.2.
Variant type: single nucleotide variant.
Coding change: c.904G>A on transcript NM_001134407.3 (MANE Select); coding-DNA position 904, G replaced by A.
Protein change: p.Ala302Thr; replaces alanine 302 with threonine.
Molecular consequence: missense variant.
Genome position (GRCh38, 1-based): chr16:9,938,062, C>T on the plus strand (G>A on the coding strand, the complement: GRIN2A is on the minus strand). VCF-style: chr16-9938062-C-T. GRCh37 (hg19) VCF-style: chr16-10031919-C-T.
Other names: c.904G>A, p.Ala302Thr (NM_000833.5, NM_001134408.2); short protein forms A302T.
Identifiers: ClinVar variation 589263 (VCV000589263.13), dbSNP rs901717931, ClinGen allele CA278194568.
Genomic context (GRCh38, chr16:9,938,062, plus strand): 5'-CGTAGCAGCTGGCCTTGGCCTCGGGGATGTAGGAGAACTTCTCCAGCATAGAAGATGCAG[C>T]GGTGGTTAGGATGCCAATGCCGTCCCTCACTCTCGCCTCCAGGCTGTAGTCCCAGTCATC-3'
Protein context (NP_001127879.1, residues 292-312): VRDGIGILTT[Ala302Thr]ASSMLEKFSY

ClinVar aggregate classification (germline): Conflicting classifications of pathogenicity. Review status: criteria provided, conflicting classifications (1 of 4 stars). 3 submissions from 3 submitters: Uncertain significance (2); Likely benign (1). Last evaluated 2025-06-16.

Conditions:
Inborn genetic diseases. Identifiers: MedGen C0950123, MeSH D030342.
Landau-Kleffner syndrome (FESD). Also called: EPILEPSY, FOCAL, WITH SPEECH DISORDER AND WITH OR WITHOUT MENTAL RETARDATION; APHASIA, ACQUIRED, WITH EPILEPSY. Identifiers: Orphanet 1945, Orphanet 725, Orphanet 98818, MedGen C0282512, MONDO:0009509, OMIM 245570.

Allele frequency attached by ClinVar (database versions not stated): gnomAD exomes 0.00001; TOPMed 0.00001; gnomAD 0.00001.
gnomAD v4.1: 39 of 1,613,892 alleles (0.0024%); highest among the groups gnomAD compares: Non-Finnish European, 0.0031%; no homozygotes.

Submissions (3):

Labcorp Genetics (formerly Invitae), Labcorp
Classification: Likely benign for Landau-Kleffner syndrome. Last evaluated: 2025-06-16. Review status: criteria provided, single submitter. Criteria: Invitae Variant Classification Sherloc (09022015). Collection method: clinical testing. Allele origin: germline.

Blueprint Genetics
Classification: Uncertain significance. Last evaluated: 2021-06-15. Review status: criteria provided, single submitter. Criteria: ACMG Guidelines, 2015. Collection method: clinical testing. Allele origin: germline.

Ambry Genetics
Classification: Uncertain significance for Inborn genetic diseases. Last evaluated: 2016-04-27. Review status: criteria provided, single submitter. Criteria: Ambry Variant Classification Scheme 2023. Collection method: clinical testing. Allele origin: germline.
Comment: The p.A302T variant (also known as c.904G>A), located in coding exon 2 of the GRIN2A gene, results from a G to A substitution at nucleotide position 904. The alanine at codon 302 is replaced by threonine, an amino acid with similar properties. This variant was not reported in population based cohorts in the following databases: Database of Single Nucleotide Polymorphisms (dbSNP), NHLBI Exome Sequencing Project (ESP), and 1000 Genomes Project. In the ESP, this variant was not observed in 6497 samples (12994 alleles) with coverage at this position. This amino acid position is highly conserved in available vertebrate species. In addition, this alteration is predicted to be deleterious by in silico analysis. Since supporting evidence is limited at this time, the clinical significance of this variant remains unclear.